The following is an entry in ClinVar:

NM_000264.5(PTCH1):c.3261C>T (p.Ile1087=)

Gene: PTCH1 (patched 1; minus strand). Cytogenetic location: 9q22.32.
Variant type: single nucleotide variant.
Coding change: c.3261C>T on transcript NM_000264.5 (MANE Select); coding-DNA position 3261, C replaced by T.
Protein change: p.Ile1087=; no amino-acid change (isoleucine 1087 retained).
Molecular consequence: synonymous variant. On other transcripts: non-coding transcript variant (1).
Genome position (GRCh38, 1-based): chr9:95,456,321, G>A on the plus strand (C>T on the coding strand, the complement: PTCH1 is on the minus strand). VCF-style: chr9-95456321-G-A. GRCh37 (hg19) VCF-style: chr9-98218603-G-A.
Other names: c.3063C>T, p.Ile1021= (NM_001083602.3); c.3258C>T, p.Ile1086= (NM_001083603.3); c.2808C>T, p.Ile936= (NM_001083604.3, NM_001083605.3, NM_001083606.3 and 1 more transcripts); c.3105C>T, p.Ile1035= (NM_001354918.2).
Identifiers: ClinVar variation 1086120 (VCV001086120.27), dbSNP rs768215021, ClinGen allele CA5138197.

ClinVar aggregate classification (germline): Likely benign. Review status: criteria provided, multiple submitters, no conflicts (2 of 4 stars). 3 submissions from 3 submitters: Likely benign (3). Last evaluated 2025-12-08.

Conditions:
Hereditary cancer-predisposing syndrome. Also called: Neoplastic Syndromes, Hereditary; Tumor predisposition; Hereditary neoplastic syndrome; Hereditary Cancer Syndrome. Identifiers: Orphanet 140162, MedGen C0027672, MeSH D009386, MONDO:0015356.
Gorlin syndrome. Also called: Basal cell nevus syndrome; Nevoid Basal Cell Carcinoma Syndrome. Identifiers: Orphanet 377, MedGen C0004779, MONDO:0007187.

Allele frequency attached by ClinVar (database versions not stated): gnomAD 0.00001; ExAC 0.00002; gnomAD exomes 0.00002.
gnomAD v4.1: 18 of 1,613,950 alleles (0.0011%); highest among the groups gnomAD compares: South Asian, 0.0077%; no homozygotes.

Submissions (3):

Labcorp Genetics (formerly Invitae), Labcorp
Classification: Likely benign for Gorlin syndrome. Last evaluated: 2025-12-08. Review status: criteria provided, single submitter. Criteria: Invitae Variant Classification Sherloc (09022015). Collection method: clinical testing. Allele origin: germline.

CeGaT Center for Human Genetics Tuebingen
Classification: Likely benign. Last evaluated: 2024-08-01. Review status: criteria provided, single submitter. Criteria: CeGaT Center For Human Genetics Tuebingen Variant Classification Criteria Version 2. Collection method: clinical testing. Allele origin: germline. Affected: yes. Observed: 1 variant allele.
Comment: PTCH1: BP4, BP7

Ambry Genetics
Classification: Likely benign for Hereditary cancer-predisposing syndrome. Last evaluated: 2020-01-20. Review status: criteria provided, single submitter. Criteria: Ambry Variant Classification Scheme 2023. Collection method: clinical testing. Allele origin: germline.